The following is an entry in ClinVar:

NM_000193.4(SHH):c.1127C>A (p.Ala376Asp)

Gene: SHH (sonic hedgehog signaling molecule; minus strand). Cytogenetic location: 7q36.3.
Variant type: single nucleotide variant.
Coding change: c.1127C>A on transcript NM_000193.4 (MANE Select); coding-DNA position 1127, C replaced by A.
Protein change: p.Ala376Asp; replaces alanine 376 with aspartic acid.
Molecular consequence: missense variant. On other transcripts: intron variant (1).
Genome position (GRCh38, 1-based): chr7:155,803,162, G>T on the plus strand (C>A on the coding strand, the complement: SHH is on the minus strand). VCF-style: chr7-155803162-G-T. GRCh37 (hg19) VCF-style: chr7-155595856-G-T.
Other names: c.302-2917C>A (NM_001310462.2); short protein forms A376D.
Identifiers: ClinVar variation 3252253 (VCV003252253.2), dbSNP rs2535892331.

ClinVar aggregate classification (germline): Uncertain significance (1 of 4 stars; one submission).

Submission:

GeneDx
Classification: Uncertain significance. Last evaluated: 2025-11-08. Review status: criteria provided, single submitter. Criteria: GeneDx Variant Classification Process June 2021. Collection method: clinical testing. Allele origin: germline.
Comment: Reported previously in a patient with holoprosencephaly; however, no further clinical or segregation information was provided (PMID: 19603532); Published functional studies in zebrafish indicate this variant may be associated with a hypomorphic effect (PMID: 32939873); Not observed at significant frequency in large population cohorts (gnomAD); In silico analysis supports that this missense variant has a deleterious effect on protein structure/function; This variant is associated with the following publications: (PMID: 33110059, 19603532, 32939873)